The following is an entry in ClinVar:

NM_000143.4(FH):c.1391-15T>C

Gene: FH (fumarate hydratase; minus strand). Cytogenetic location: 1q43.
Variant type: single nucleotide variant.
Coding change: c.1391-15T>C on transcript NM_000143.4 (MANE Select); 15 bases into the intron before coding-DNA position 1391, T replaced by C.
Molecular consequence: intron variant.
Genome position (GRCh38, 1-based): chr1:241,497,985, A>G on the plus strand (T>C on the coding strand, the complement: FH is on the minus strand). VCF-style: chr1-241497985-A-G. GRCh37 (hg19) VCF-style: chr1-241661285-A-G.
Identifiers: ClinVar variation 1577139 (VCV001577139.9), dbSNP rs756731681, ClinGen allele CA1478450.

ClinVar aggregate classification (germline): Benign/Likely benign. Review status: criteria provided, multiple submitters, no conflicts (2 of 4 stars). 2 submissions from 2 submitters: Benign (1); Likely benign (1). Last evaluated 2026-01-24.

Conditions:
Hereditary leiomyomatosis and renal cell cancer. Also called: FH tumor predisposition syndrome; MULTIPLE CUTANEOUS AND UTERINE LEIOMYOMATA 1, WITH OR WITHOUT RENAL CELL CARCINOMA; LEIOMYOMA, MULTIPLE CUTANEOUS; Reed syndrome; Multiple cutaneous and uterine leiomyomatosis; Cutaneous leiomyomata with uterine leiomyomata. Identifiers: Orphanet 523, MedGen C1708350, MONDO:0007888, OMIM 150800, HP:0007437. Disease mechanism: loss of function.

Allele frequency attached by ClinVar (database versions not stated): ExAC 0.00001; gnomAD exomes 0.00001.
gnomAD v4.1: 7 of 1,613,840 alleles (0.00043%); highest among the groups gnomAD compares: East Asian, 0.016%; no homozygotes.

Submissions (2):

Labcorp Genetics (formerly Invitae), Labcorp
Classification: Likely benign. Last evaluated: 2026-01-24. Review status: criteria provided, single submitter. Criteria: Invitae Variant Classification Sherloc (09022015). Collection method: clinical testing. Allele origin: germline.

Myriad Genetics, Inc.
Classification: Benign for Hereditary leiomyomatosis and renal cell cancer. Last evaluated: 2024-09-11. Review status: criteria provided, single submitter. Criteria: Myriad Autosomal Dominant, Autosomal Recessive and X-Linked Classification Criteria (2023). Collection method: clinical testing. Allele origin: unknown.
Comment: This variant is considered benign. This variant is intronic and is not expected to impact mRNA splicing. This variant has been observed at a population frequency that is significantly greater than expected given the associated disease prevalence and penetrance.